The following is an entry in ClinVar:

ClinVar aggregate classification (germline): Uncertain significance. Review status: criteria provided, multiple submitters, no conflicts (2 of 4 stars). 2 submissions from 2 submitters: Uncertain significance (2). Last evaluated 2024-02-27.

Conditions:
Progressive familial heart block type IB (PFHB1B). Identifiers: Orphanet 871, MedGen C1970298, MONDO:0011474, OMIM 604559.

Submissions (2):

GeneDx
Classification: Uncertain significance. Last evaluated: 2024-02-27. Review status: criteria provided, single submitter. Criteria: GeneDx Variant Classification Process June 2021. Collection method: clinical testing. Allele origin: germline. Affected: yes.
Comment: Not observed at significant frequency in large population cohorts (gnomAD); In silico analysis supports that this missense variant does not alter protein structure/function; Has not been previously published as pathogenic or benign to our knowledge

Labcorp Genetics (formerly Invitae), Labcorp
Classification: Uncertain significance for Progressive familial heart block type IB. Last evaluated: 2023-02-14. Review status: criteria provided, single submitter. Criteria: Invitae Variant Classification Sherloc (09022015). Collection method: clinical testing. Allele origin: germline.
Comment: This sequence change replaces aspartic acid, which is acidic and polar, with tyrosine, which is neutral and polar, at codon 333 of the TRPM4 protein (p.Asp333Tyr). This variant is not present in population databases (gnomAD no frequency). This variant has not been reported in the literature in individuals affected with TRPM4-related conditions. Algorithms developed to predict the effect of missense changes on protein structure and function are either unavailable or do not agree on the potential impact of this missense change (SIFT: "Deleterious"; PolyPhen-2: "Possibly Damaging"; Align-GVGD: "Class C0"). In summary, the available evidence is currently insufficient to determine the role of this variant in disease. Therefore, it has been classified as a Variant of Uncertain Significance.

NM_017636.4(TRPM4):c.997G>T (p.Asp333Tyr)

Gene: TRPM4 (transient receptor potential cation channel subfamily M member 4; plus strand). Cytogenetic location: 19q13.33.
Variant type: single nucleotide variant.
Coding change: c.997G>T on transcript NM_017636.4 (MANE Select); coding-DNA position 997, G replaced by T.
Protein change: p.Asp333Tyr; replaces aspartic acid 333 with tyrosine.
Molecular consequence: missense variant. On other transcripts: 5 prime UTR variant (1).
Genome position (GRCh38, 1-based): chr19:49,171,716, G>T. VCF-style: chr19-49171716-G-T. GRCh37 (hg19) VCF-style: chr19-49674973-G-T.
Other names: c.997G>T, p.Asp333Tyr (NM_001195227.2); c.652G>T, p.Asp218Tyr (NM_001321281.2); c.-557G>T (NM_001321282.2); c.475G>T, p.Asp159Tyr (NM_001321283.2); c.148G>T, p.Asp50Tyr (NM_001321285.2); c.997G>T (NM_017636.3); short protein forms D218Y, D50Y, D159Y, D333Y.
Identifiers: ClinVar variation 2977175 (VCV002977175.4), dbSNP rs2514071850, ClinGen allele CA406794287.